The following is an entry in ClinVar:

NM_001385125.1(OPN1SW):c.110del (p.Phe37fs)

Gene: OPN1SW (opsin 1, short wave sensitive; minus strand). Cytogenetic location: 7q32.1.
Variant type: Deletion.
Coding change: c.110del on transcript NM_001385125.1 (MANE Select); coding-DNA position 110, one base deleted (T; older notation c.110delT).
Protein change: p.Phe37fs; shifts the reading frame from phenylalanine 37.
Molecular consequence: frameshift variant.
Genome position (GRCh38, 1-based): chr7:128,775,672, A deleted on the plus strand (T on the coding strand, the reverse complement: OPN1SW is on the minus strand); the first of 3 consecutive A bases (chr7:128,775,672-128,775,674); deleting any one gives the same sequence. VCF-style (leftmost placement, unchanged base first): chr7-128775671-GA-G. GRCh37 (hg19) VCF-style: chr7-128415725-GA-G.
Other names: short protein forms F37fs.
Identifiers: ClinVar variation 3648593 (VCV003648593.2).
Genomic context (GRCh38, chr7:128,775,671, plus strand): 5'-CAGTGTGGCCACCAGCACCATGGCATTGAGTGGGAACCCTATAAGGAAGACAGTGCCCAT[GA>G]AAGCTGCCTGGAGGTAGAAGGCCCAGACAGGGGCAATGTGGTACTGAGGCCCATCCCACG-3'

ClinVar aggregate classification (germline): Uncertain significance (1 of 4 stars; one submission).

Submission:

Labcorp Genetics (formerly Invitae), Labcorp
Classification: Uncertain significance. Last evaluated: 2024-04-03. Review status: criteria provided, single submitter. Criteria: Invitae Variant Classification Sherloc (09022015). Collection method: clinical testing. Allele origin: germline.
Comment: This sequence change creates a premature translational stop signal (p.Phe40Serfs*8) in the OPN1SW gene. It is expected to result in an absent or disrupted protein product. However, the current clinical and genetic evidence is not sufficient to establish whether loss-of-function variants in OPN1SW cause disease. This variant is not present in population databases (gnomAD no frequency). This variant has not been reported in the literature in individuals affected with OPN1SW-related conditions. In summary, the available evidence is currently insufficient to determine the role of this variant in disease. Therefore, it has been classified as a Variant of Uncertain Significance.